The following is an entry in ClinVar:

ClinVar aggregate classification (germline): Uncertain significance. Review status: criteria provided, multiple submitters, no conflicts (2 of 4 stars). 3 submissions from 2 submitters: Uncertain significance (3). Last evaluated 2024-10-22.

Conditions:
DPAGT1-congenital disorder of glycosylation. Also called: DPAGT1-CDG; CDG Ij; CONGENITAL DISORDER OF GLYCOSYLATION, TYPE Ij. Identifiers: Orphanet 86309, MedGen C2931004, MONDO:0011964, OMIM 608093.
Congenital myasthenic syndrome 13 (CMS13). Also called: Myasthenic syndrome, congenital, 13, with tubular aggregates; Myasthenic syndrome, congenital, with tubular aggregates 2. Identifiers: Orphanet 353327, Orphanet 590, MedGen C3553645, MONDO:0013883, OMIM 614750.

Submissions (3):

Labcorp Genetics (formerly Invitae), Labcorp
Classification: Uncertain significance for Congenital myasthenic syndrome 13; DPAGT1-congenital disorder of glycosylation. Last evaluated: 2024-10-22. Review status: criteria provided, single submitter. Criteria: Invitae Variant Classification Sherloc (09022015). Collection method: clinical testing. Allele origin: germline.
Comment: This sequence change replaces phenylalanine, which is neutral and non-polar, with serine, which is neutral and polar, at codon 66 of the DPAGT1 protein (p.Phe66Ser). This variant is not present in population databases (gnomAD no frequency). This variant has not been reported in the literature in individuals affected with DPAGT1-related conditions. ClinVar contains an entry for this variant (Variation ID: 634577). Invitae Evidence Modeling of protein sequence and biophysical properties (such as structural, functional, and spatial information, amino acid conservation, physicochemical variation, residue mobility, and thermodynamic stability) indicates that this missense variant is expected to disrupt DPAGT1 protein function with a positive predictive value of 80%. In summary, the available evidence is currently insufficient to determine the role of this variant in disease. Therefore, it has been classified as a Variant of Uncertain Significance.

Genomic Research Center, Shahid Beheshti University of Medical Sciences
Classification: Uncertain significance for Congenital disorder of glycosylation type 1J. Last evaluated: 2019-01-01. Review status: criteria provided, single submitter. Criteria: ACMG Guidelines, 2015. Collection method: clinical testing. Allele origin: unknown. Affected: no. Observed: 1 variant allele.

Genomic Research Center, Shahid Beheshti University of Medical Sciences
Classification: Uncertain significance for Congenital myasthenic syndrome 13. Last evaluated: 2019-01-01. Review status: criteria provided, single submitter. Criteria: ACMG Guidelines, 2015. Collection method: clinical testing. Allele origin: unknown. Affected: no. Observed: 1 variant allele.

NM_001382.4(DPAGT1):c.197T>C (p.Phe66Ser)

Genes: DPAGT1 (dolichyl-phosphate N-acetylglucosaminephosphotransferase 1; minus strand), LOC126861360 (BRD4-independent group 4 enhancer GRCh37_chr11:118972216-118973415; plus strand). Cytogenetic location: 11q23.3.
Variant type: single nucleotide variant.
Coding change: c.197T>C on transcript NM_001382.4 (MANE Select); coding-DNA position 197, T replaced by C.
Protein change: p.Phe66Ser; replaces phenylalanine 66 with serine.
Molecular consequence: missense variant.
Genome position (GRCh38, 1-based): chr11:119,101,103, A>G on the plus strand (T>C on the coding strand, the complement: DPAGT1 is on the minus strand). VCF-style: chr11-119101103-A-G. GRCh37 (hg19) VCF-style: chr11-118971813-A-G.
Other names: short protein forms F66S.
Identifiers: ClinVar variation 634577 (VCV000634577.9), dbSNP rs1565766177, ClinGen allele CA382916013.